The following is an entry in ClinVar:

ClinVar aggregate classification (germline): Likely benign (1 of 4 stars; one submission).

Allele frequency attached by ClinVar (database versions not stated): TOPMed 0.00001; gnomAD exomes 0.00002; gnomAD 0.00005.
gnomAD v4.1: 23 of 1,179,502 alleles (0.0019%); highest among the groups gnomAD compares: Non-Finnish European, 0.0024%; no homozygotes.

Submission:

CeGaT Center for Human Genetics Tuebingen
Classification: Likely benign. Last evaluated: 2024-02-01. Review status: criteria provided, single submitter. Criteria: CeGaT Center For Human Genetics Tuebingen Variant Classification Criteria Version 2. Collection method: clinical testing. Allele origin: germline. Affected: yes. Observed: 1 variant allele.
Comment: GABRA3: BP4

NM_000808.4(GABRA3):c.1144-6C>T

Gene: GABRA3 (gamma-aminobutyric acid type A receptor subunit alpha3; minus strand). Cytogenetic location: Xq28.
Variant type: single nucleotide variant.
Coding change: c.1144-6C>T on transcript NM_000808.4 (MANE Select); 6 bases into the intron before coding-DNA position 1144, C replaced by T.
Molecular consequence: intron variant.
Genome position (GRCh38, 1-based): chrX:152,168,569, G>A on the plus strand (C>T on the coding strand, the complement: GABRA3 is on the minus strand). VCF-style: chrX-152168569-G-A. GRCh37 (hg19) VCF-style: chrX-151337041-G-A.
Identifiers: ClinVar variation 3025484 (VCV003025484.22), dbSNP rs201465927, ClinGen allele CA10543062.
Genomic context (GRCh38, chrX:152,168,569, plus strand): 5'-CCACGATGTTGAAGGTAGTGCTGGTTTTCTTTGCTGGGGCTGCTGGTGTTTTCTTCTAGA[G>A]GCCAGGAAAAAGAGGGGGGGAAAGGGAGAAAAAAGCAAAGCTAATTAATTCATTACACAG-3'